The following is an entry in ClinVar:

NM_003718.5(CDK13):c.964C>G (p.Arg322Gly)

Gene: CDK13 (cyclin dependent kinase 13; plus strand). Cytogenetic location: 7p14.1.
Variant type: single nucleotide variant.
Coding change: c.964C>G on transcript NM_003718.5 (MANE Select); coding-DNA position 964, C replaced by G.
Protein change: p.Arg322Gly; replaces arginine 322 with glycine.
Molecular consequence: missense variant.
Genome position (GRCh38, 1-based): chr7:39,951,605, C>G. VCF-style: chr7-39951605-C-G. GRCh37 (hg19) VCF-style: chr7-39991204-C-G.
Other names: c.964C>G, p.Arg322Gly (NM_031267.4); short protein forms R322G.
Identifiers: ClinVar variation 3712236 (VCV003712236.3).

ClinVar aggregate classification (germline): Uncertain significance. Review status: criteria provided, multiple submitters, no conflicts (2 of 4 stars). 2 submissions from 2 submitters: Uncertain significance (2). Last evaluated 2025-08-23.

Conditions:
Inborn genetic diseases. Identifiers: MedGen C0950123, MeSH D030342.

gnomAD v4.1: 23 of 1,482,444 alleles (0.0016%); highest among the groups gnomAD compares: African/African-American, 0.03%; no homozygotes.

Submissions (2):

Ambry Genetics
Classification: Uncertain significance for Inborn genetic diseases. Last evaluated: 2025-08-23. Review status: criteria provided, single submitter. Criteria: Ambry Variant Classification Scheme 2023. Collection method: clinical testing. Allele origin: germline.

Labcorp Genetics (formerly Invitae), Labcorp
Classification: Uncertain significance. Last evaluated: 2025-05-30. Review status: criteria provided, single submitter. Criteria: Invitae Variant Classification Sherloc (09022015). Collection method: clinical testing. Allele origin: germline.
Comment: This sequence change replaces arginine, which is basic and polar, with glycine, which is neutral and non-polar, at codon 322 of the CDK13 protein (p.Arg322Gly). This variant is present in population databases (rs546363676, gnomAD 0.02%). This missense change has been observed in individual(s) with clinical features of CDK13-related conditions (internal data). ClinVar contains an entry for this variant (Variation ID: 3712236). Invitae Evidence Modeling of protein sequence and biophysical properties (such as structural, functional, and spatial information, amino acid conservation, physicochemical variation, residue mobility, and thermodynamic stability) indicates that this missense variant is not expected to disrupt CDK13 protein function with a negative predictive value of 95%. In summary, the available evidence is currently insufficient to determine the role of this variant in disease. Therefore, it has been classified as a Variant of Uncertain Significance.